The following is an entry in ClinVar:

NM_000089.4(COL1A2):c.2260G>T (p.Gly754Cys)

Gene: COL1A2 (collagen type I alpha 2 chain; plus strand). Cytogenetic location: 7q21.3.
Variant type: single nucleotide variant.
Coding change: c.2260G>T on transcript NM_000089.4 (MANE Select); coding-DNA position 2260, G replaced by T.
Protein change: p.Gly754Cys; replaces glycine 754 with cysteine.
Molecular consequence: missense variant.
Genome position (GRCh38, 1-based): chr7:94,420,613, G>T. VCF-style: chr7-94420613-G-T. GRCh37 (hg19) VCF-style: chr7-94049925-G-T.
Other names: short protein forms G754C.
Identifiers: ClinVar variation 501007 (VCV000501007.16), dbSNP rs72658177, ClinGen allele CA162936060.

ClinVar aggregate classification (germline): Pathogenic/Likely pathogenic. Review status: criteria provided, multiple submitters, no conflicts (2 of 4 stars). 3 submissions from 3 submitters: Pathogenic (1); Likely pathogenic (2). Last evaluated 2023-07-28.

Conditions:
Ehlers-Danlos syndrome, classic type, 1 (EDSCL1). Also called: EHLERS-DANLOS SYNDROME, GRAVIS TYPE; EHLERS-DANLOS SYNDROME, SEVERE CLASSIC TYPE; EDS I; Ehlers-Danlos Syndrome, Classic Type, COL5A1-Related; Ehlers-Danlos syndrome, type 1. Identifiers: MedGen C0268335, MONDO:0019567, OMIM 130000.
Osteogenesis imperfecta type I (OI1). Also called: OI, TYPE I; OSTEOGENESIS IMPERFECTA TARDA; OSTEOGENESIS IMPERFECTA WITH BLUE SCLERAE; Classic Non-deforming Osteogenesis Imperfecta with Blue Sclerae; Lobstein disease; Osteogenesis imperfecta type 1. Identifiers: Orphanet 216796, Orphanet 666, MedGen C0023931, MONDO:0008146, OMIM 166200. Disease mechanism: loss of function.

Submissions (3):

Revvity Omics, Revvity
Classification: Likely pathogenic. Last evaluated: 2023-07-28. Review status: criteria provided, single submitter. Criteria: ACMG Guidelines, 2015. Collection method: clinical testing. Allele origin: germline.

Labcorp Genetics (formerly Invitae), Labcorp
Classification: Pathogenic for Osteogenesis imperfecta type I; Ehlers-Danlos syndrome, classic type, 1. Last evaluated: 2023-02-21. Review status: criteria provided, single submitter. Criteria: Invitae Variant Classification Sherloc (09022015). Collection method: clinical testing. Allele origin: germline.
Comment: Advanced modeling of protein sequence and biophysical properties (such as structural, functional, and spatial information, amino acid conservation, physicochemical variation, residue mobility, and thermodynamic stability) performed at Invitae indicates that this missense variant is expected to disrupt COL1A2 protein function. ClinVar contains an entry for this variant (Variation ID: 501007). This missense change has been observed in individuals with osteogenesis imperfecta (PMID: 16879195, 31428121). This variant is not present in population databases (gnomAD no frequency). This sequence change replaces glycine, which is neutral and non-polar, with cysteine, which is neutral and slightly polar, at codon 754 of the COL1A2 protein (p.Gly754Cys). Experimental studies have shown that this missense change affects COL1A2 function (PMID: 16879195). For these reasons, this variant has been classified as Pathogenic. This variant disrupts the triple helix domain of COL1A2. Glycine residues within the Gly-Xaa-Yaa repeats of the triple helix domain are required for the structure and stability of fibrillar collagens (PMID: 7695699, 8218237, 19344236). In COL1A2, variants affecting these glycine residues are significantly enriched in individuals with disease (PMID: 9016532, 17078022) compared to the general population (ExAC). Algorithms developed to predict the effect of sequence changes on RNA splicing suggest that this variant may create or strengthen a splice site.

Eurofins Ntd Llc (ga)
Classification: Likely pathogenic. Last evaluated: 2017-04-04. Review status: criteria provided, single submitter. Criteria: EGL Classification Definitions 2015. Collection method: clinical testing. Allele origin: germline. Observed: 1 variant allele, 1 heterozygote.

Literature cited by the submitters: PubMed 16879195 (cited by Labcorp Genetics (formerly Invitae), Labcorp and Eurofins Ntd Llc (ga)); PubMed 31428121 (cited by Labcorp Genetics (formerly Invitae), Labcorp); PubMed 7695699 (cited by Labcorp Genetics (formerly Invitae), Labcorp); PubMed 8218237 (cited by Labcorp Genetics (formerly Invitae), Labcorp); PubMed 19344236 (cited by Labcorp Genetics (formerly Invitae), Labcorp); PubMed 9016532 (cited by Labcorp Genetics (formerly Invitae), Labcorp); PubMed 17078022 (cited by Labcorp Genetics (formerly Invitae), Labcorp).